The following is an entry in ClinVar:

NM_024649.5(BBS1):c.1672A>C (p.Lys558Gln)

Genes: BBS1 (Bardet-Biedl syndrome 1; plus strand), ZDHHC24 (zDHHC palmitoyltransferase 24; minus strand). Cytogenetic location: 11q13.2.
Variant type: single nucleotide variant.
Coding change: c.1672A>C on transcript NM_024649.5 (MANE Select); coding-DNA position 1672, A replaced by C.
Protein change: p.Lys558Gln; replaces lysine 558 with glutamine.
Molecular consequence: missense variant. On other transcripts: intron variant (1).
Genome position (GRCh38, 1-based): chr11:66,531,719, A>C. VCF-style: chr11-66531719-A-C. GRCh37 (hg19) VCF-style: chr11-66299190-A-C.
Other names: c.1672A>C (NM_024649.4); c.560-2231T>G (NM_001348571.2); short protein forms K558Q.
Identifiers: ClinVar variation 3600132 (VCV003600132.2).

ClinVar aggregate classification (germline): Uncertain significance. Review status: criteria provided, multiple submitters, no conflicts (2 of 4 stars). 2 submissions from 2 submitters: Uncertain significance (2). Last evaluated 2026-07-09.

Conditions:
Bardet-Biedl syndrome 1 (BBS1). Identifiers: MedGen C2936862, MONDO:0008854, OMIM 209900. Disease mechanism: loss of function.
BBS1-related disorder. Also called: BBS1-related condition.

gnomAD v4.1: 4 of 1,613,892 alleles (0.00025%); highest among the groups gnomAD compares: African/African-American, 0.0053%; no homozygotes.

Submissions (2):

PreventionGenetics, part of Exact Sciences
Classification: Uncertain significance for BBS1-related condition. Last evaluated: 2026-07-09. Review status: criteria provided, single submitter. Criteria: ACMG Guidelines, 2015. Collection method: clinical testing. Allele origin: germline.
Comment: The BBS1 c.1672A>C variant is predicted to result in the amino acid substitution p.Lys558Gln. To our knowledge, this variant has not been reported in the literature. This variant is reported in 0.0062% of alleles in individuals of African descent in gnomAD. At this time, the clinical significance of this variant is uncertain due to the absence of conclusive functional and genetic evidence.

Fulgent Genetics
Classification: Uncertain significance for Bardet-Biedl syndrome 1. Last evaluated: 2024-02-07. Review status: criteria provided, single submitter. Criteria: ACMG Guidelines, 2015. Collection method: clinical testing. Allele origin: germline.